The following is an entry in ClinVar:

NM_032444.4(SLX4):c.4394G>C (p.Arg1465Pro)

Gene: SLX4 (SLX4 structure-specific endonuclease subunit; minus strand). Cytogenetic location: 16p13.3.
Variant type: single nucleotide variant.
Coding change: c.4394G>C on transcript NM_032444.4 (MANE Select); coding-DNA position 4394, G replaced by C.
Protein change: p.Arg1465Pro; replaces arginine 1465 with proline.
Molecular consequence: missense variant.
Genome position (GRCh38, 1-based): chr16:3,589,244, C>G on the plus strand (G>C on the coding strand, the complement: SLX4 is on the minus strand). VCF-style: chr16-3589244-C-G. GRCh37 (hg19) VCF-style: chr16-3639245-C-G.
Other names: short protein forms R1465P.
Identifiers: ClinVar variation 2163758 (VCV002163758.1), dbSNP rs757128699, ClinGen allele CA394517225.

ClinVar aggregate classification (germline): Uncertain significance (1 of 4 stars; one submission).

Conditions:
Fanconi anemia (FA). Also called: Fanconi's anemia. Identifiers: Orphanet 84, MedGen C0015625, MeSH D005199, MONDO:0019391.

gnomAD v4.1: 2 of 1,606,802 alleles (0.00012%); highest among the groups gnomAD compares: Non-Finnish European, 0.00017%; no homozygotes.

Submission:

Labcorp Genetics (formerly Invitae), Labcorp
Classification: Uncertain significance for Fanconi anemia. Last evaluated: 2022-01-05. Review status: criteria provided, single submitter. Criteria: Invitae Variant Classification Sherloc (09022015). Collection method: clinical testing. Allele origin: germline.
Comment: This sequence change replaces arginine, which is basic and polar, with proline, which is neutral and non-polar, at codon 1465 of the SLX4 protein (p.Arg1465Pro). This variant is not present in population databases (gnomAD no frequency). This variant has not been reported in the literature in individuals affected with SLX4-related conditions. Algorithms developed to predict the effect of missense changes on protein structure and function (SIFT, PolyPhen-2, Align-GVGD) all suggest that this variant is likely to be tolerated. In summary, the available evidence is currently insufficient to determine the role of this variant in disease. Therefore, it has been classified as a Variant of Uncertain Significance.